The following is an entry in ClinVar:

ClinVar aggregate classification (germline): Uncertain significance. Review status: criteria provided, multiple submitters, no conflicts (2 of 4 stars). 2 submissions from 2 submitters: Uncertain significance (2). Last evaluated 2024-11-28.

Conditions:
Pseudohypoaldosteronism type 2B (PHA2B). Also called: Pseudohypoaldosteronism Type IIB. Identifiers: Orphanet 757, Orphanet 88939, MedGen C1840390, MONDO:0013777, OMIM 614491.

Submissions (2):

Labcorp Genetics (formerly Invitae), Labcorp
Classification: Uncertain significance. Last evaluated: 2024-11-28. Review status: criteria provided, single submitter. Criteria: Invitae Variant Classification Sherloc (09022015). Collection method: clinical testing. Allele origin: germline.
Comment: This sequence change replaces proline, which is neutral and non-polar, with serine, which is neutral and polar, at codon 638 of the WNK4 protein (p.Pro638Ser). This variant is not present in population databases (gnomAD no frequency). This variant has not been reported in the literature in individuals affected with WNK4-related conditions. Invitae Evidence Modeling of protein sequence and biophysical properties (such as structural, functional, and spatial information, amino acid conservation, physicochemical variation, residue mobility, and thermodynamic stability) indicates that this missense variant is not expected to disrupt WNK4 protein function with a negative predictive value of 95%. In summary, the available evidence is currently insufficient to determine the role of this variant in disease. Therefore, it has been classified as a Variant of Uncertain Significance.

Fulgent Genetics
Classification: Uncertain significance for Pseudohypoaldosteronism type 2B. Last evaluated: 2024-02-06. Review status: criteria provided, single submitter. Criteria: ACMG Guidelines, 2015. Collection method: clinical testing. Allele origin: germline.

NM_032387.5(WNK4):c.1912C>T (p.Pro638Ser)

Gene: WNK4 (WNK lysine deficient protein kinase 4; plus strand). Cytogenetic location: 17q21.2.
Variant type: single nucleotide variant.
Coding change: c.1912C>T on transcript NM_032387.5 (MANE Select); coding-DNA position 1912, C replaced by T.
Protein change: p.Pro638Ser; replaces proline 638 with serine.
Molecular consequence: missense variant.
Genome position (GRCh38, 1-based): chr17:42,788,178, C>T. VCF-style: chr17-42788178-C-T. GRCh37 (hg19) VCF-style: chr17-40940196-C-T.
Other names: c.904C>T, p.Pro302Ser (NM_001321299.2); short protein forms P638S, P302S.
Identifiers: ClinVar variation 3582027 (VCV003582027.3).